The following is an entry in ClinVar:

NM_001330195.2(NRXN3):c.1426C>T (p.Arg476Cys)

Genes: NRXN3 (neurexin 3; plus strand), NRXN3-AS2 (NRXN3 antisense RNA 2; minus strand). Cytogenetic location: 14q24.3.
Variant type: single nucleotide variant.
Coding change: c.1426C>T on transcript NM_001330195.2 (MANE Select); coding-DNA position 1426, C replaced by T.
Protein change: p.Arg476Cys; replaces arginine 476 with cysteine.
Molecular consequence: missense variant. On other transcripts: non-coding transcript variant (5).
Genome position (GRCh38, 1-based): chr14:78,709,421, C>T. VCF-style: chr14-78709421-C-T. GRCh37 (hg19) VCF-style: chr14-79175764-C-T.
Other names: c.1426C>T, p.Arg476Cys (NM_001366425.1); c.1438C>T, p.Arg480Cys (NM_001366426.1); c.307C>T, p.Arg103Cys (NM_004796.6); short protein forms R476C, R480C, R103C.
Identifiers: ClinVar variation 4977235 (VCV004977235.1).
Genomic context (GRCh38, chr14:78,709,421, plus strand): 5'-GCTTACATCAGCTTGCCCAAGTGGAACACTAAACGTATGGGCTCCATCTCCTTTGACTTC[C>T]GCACCACAGAGCCCAATGGCCTGATCCTCTTCACTCATGGAAAGCCCCAAGAGAGGAAGG-3'
Protein context (NP_001317124.1, residues 466-486): KRMGSISFDF[Arg476Cys]TTEPNGLILF

ClinVar aggregate classification (germline): Uncertain significance (1 of 4 stars; one submission).

Conditions:
NRXN3-related disorder. Also called: NRXN3-related condition.

gnomAD v4.1: 62 of 1,614,134 alleles (0.0038%); highest among the groups gnomAD compares: Admixed American, 0.01%; no homozygotes.

Submission:

PreventionGenetics, part of Exact Sciences
Classification: Uncertain significance for NRXN3-related condition. Last evaluated: 2026-08-27. Review status: criteria provided, single submitter. Criteria: ACMG Guidelines, 2015. Collection method: clinical testing. Allele origin: germline.
Comment: The NRXN3 c.307C>T variant is predicted to result in the amino acid substitution p.Arg103Cys. To our knowledge, this variant has not been reported in the literature. This variant is reported in 0.0080% of alleles in individuals of African descent in gnomAD. At this time, the clinical significance of this variant is uncertain due to the absence of conclusive functional and genetic evidence.